The following is an entry in ClinVar:

ClinVar aggregate classification (germline): Uncertain significance. Review status: criteria provided, multiple submitters, no conflicts (2 of 4 stars). 2 submissions from 2 submitters: Uncertain significance (2). Last evaluated 2025-12-16.

Conditions:
EHHADH-related disorder. Also called: EHHADH-related condition.
Fanconi renotubular syndrome 3 (FRTS3). Identifiers: MedGen C3810100, MONDO:0014275, OMIM 615605.

Submissions (2):

PreventionGenetics, part of Exact Sciences
Classification: Uncertain significance for EHHADH-related condition. Last evaluated: 2025-12-16. Review status: criteria provided, single submitter. Criteria: ACMG Guidelines, 2015. Collection method: clinical testing. Allele origin: germline.
Comment: The EHHADH c.688C>T variant is predicted to result in premature protein termination (p.Gln230*). To our knowledge, this variant has not been reported in the literature. This variant is reported in 0.0026% of alleles in individuals of European (Non-Finnish) descent in gnomAD. Loss of function is not an established mechanism of EHHADH-related disease. At this time, the clinical significance of this variant is uncertain due to the absence of conclusive functional and genetic evidence.

Genomic Medicine Center of Excellence, King Faisal Specialist Hospital and Research Centre
Classification: Uncertain significance for Fanconi renotubular syndrome 3. Last evaluated: 2025-09-10. Review status: criteria provided, single submitter. Criteria: ACMG Guidelines, 2015. Collection method: clinical testing. Allele origin: germline.

NM_001966.4(EHHADH):c.688C>T (p.Gln230Ter)

Gene: EHHADH (enoyl-CoA hydratase and 3-hydroxyacyl CoA dehydrogenase; minus strand). Cytogenetic location: 3q27.2.
Variant type: single nucleotide variant.
Coding change: c.688C>T on transcript NM_001966.4 (MANE Select); coding-DNA position 688, C replaced by T.
Protein change: p.Gln230Ter; replaces glutamine 230 with a stop codon.
Molecular consequence: nonsense.
Genome position (GRCh38, 1-based): chr3:185,204,638, G>A on the plus strand (C>T on the coding strand, the complement: EHHADH is on the minus strand). VCF-style: chr3-185204638-G-A. GRCh37 (hg19) VCF-style: chr3-184922426-G-A.
Other names: c.688C>T (NM_001966.3); c.400C>T, p.Gln134Ter (NM_001166415.2); short protein forms Q134*, Q230*.
Identifiers: ClinVar variation 4277529 (VCV004277529.2).